The following is an entry in ClinVar:

NM_002860.4(ALDH18A1):c.1467+290C>A

Gene: ALDH18A1 (aldehyde dehydrogenase 18 family member A1; minus strand). Cytogenetic location: 10q24.1.
Variant type: single nucleotide variant.
Coding change: c.1467+290C>A on transcript NM_002860.4 (MANE Select); 290 bases into the intron after coding-DNA position 1467, C replaced by A.
Molecular consequence: intron variant.
Genome position (GRCh38, 1-based): chr10:95,620,741, G>T on the plus strand (C>A on the coding strand, the complement: ALDH18A1 is on the minus strand). VCF-style: chr10-95620741-G-T. GRCh37 (hg19) VCF-style: chr10-97380498-G-T.
Other names: c.831+290C>A (NM_001323419.2); c.1134+290C>A (NM_001323412.2, NM_001323416.2); c.1362+290C>A (NM_001323417.2); c.1461+290C>A (NM_001017423.2, NM_001323415.2); c.1128+290C>A (NM_001323418.2); c.1467+290C>A (NM_001323413.2, NM_001323414.2).
Identifiers: ClinVar variation 669717 (VCV000669717.1), dbSNP rs144896093, ClinGen allele CA13165438.
Genomic context (GRCh38, chr10:95,620,741, plus strand): 5'-CTCACAAGCACAGAAAACCAAACAATGCATGTTCTCACTCGTAGGTGGGAACTGAACAAT[G>T]AGAACACTTGGACACAGGGTGGGGAACATCACACACTGGGGCCTGTCGGGGGGTGGGGGA-3'

ClinVar aggregate classification (germline): Benign (1 of 4 stars; one submission).

Allele frequency attached by ClinVar (database versions not stated): TOPMed 0.04369; 1000 Genomes Project 30x 0.04482; 1000 Genomes Project 0.04633; gnomAD 0.04747 and 0.04864.
gnomAD v4.1: 7,241 of 147,114 alleles (4.9%); highest among the groups gnomAD compares: South Asian, 8.8%; 235 homozygotes.

Submission:

GeneDx
Classification: Benign. Last evaluated: 2018-06-14. Review status: criteria provided, single submitter. Criteria: GeneDx Variant Classification (06012015). Collection method: clinical testing. Allele origin: germline. Affected: yes.
Comment: This variant is considered likely benign or benign based on one or more of the following criteria: it is a conservative change, it occurs at a poorly conserved position in the protein, it is predicted to be benign by multiple in silico algorithms, and/or has population frequency not consistent with disease.